The following is an entry in ClinVar:

NM_001458.5(FLNC):c.4732A>G (p.Ile1578Val)

Gene: FLNC (filamin C; plus strand). Cytogenetic location: 7q32.1.
Variant type: single nucleotide variant.
Coding change: c.4732A>G on transcript NM_001458.5 (MANE Select); coding-DNA position 4732, A replaced by G.
Protein change: p.Ile1578Val; replaces isoleucine 1578 with valine.
Molecular consequence: missense variant.
Genome position (GRCh38, 1-based): chr7:128,848,712, A>G. VCF-style: chr7-128848712-A-G. GRCh37 (hg19) VCF-style: chr7-128488766-A-G.
Other names: c.4732A>G, p.Ile1578Val (NM_001127487.2); short protein forms I1578V.
Identifiers: ClinVar variation 2921828 (VCV002921828.3), dbSNP rs1041727892, ClinGen allele CA369202828.

ClinVar aggregate classification (germline): Uncertain significance (1 of 4 stars; one submission).

Conditions:
Myofibrillar myopathy 5. Also called: FILAMINOPATHY, AUTOSOMAL DOMINANT; Filaminopathy (type). Identifiers: Orphanet 171445, MedGen C1836050, MONDO:0012289, OMIM 609524.
Hypertrophic cardiomyopathy 26. Also called: Cardiomyopathy, familial hypertrophic, 26. Identifiers: Orphanet 75249, MedGen C4310749, MONDO:0014883, OMIM 617047.
Distal myopathy with posterior leg and anterior hand involvement. Also called: WILLIAMS DISTAL MYOPATHY. Identifiers: Orphanet 63273, MedGen C3279722, MONDO:0013550, OMIM 614065.

Submission:

Labcorp Genetics (formerly Invitae), Labcorp
Classification: Uncertain significance for Distal myopathy with posterior leg and anterior hand involvement; Myofibrillar myopathy 5; Hypertrophic cardiomyopathy 26. Last evaluated: 2023-12-30. Review status: criteria provided, single submitter. Criteria: Invitae Variant Classification Sherloc (09022015). Collection method: clinical testing. Allele origin: germline.
Comment: This sequence change replaces isoleucine, which is neutral and non-polar, with valine, which is neutral and non-polar, at codon 1578 of the FLNC protein (p.Ile1578Val). This variant is not present in population databases (gnomAD no frequency). This variant has not been reported in the literature in individuals affected with FLNC-related conditions. Advanced modeling of protein sequence and biophysical properties (such as structural, functional, and spatial information, amino acid conservation, physicochemical variation, residue mobility, and thermodynamic stability) has been performed at Invitae for this missense variant, however the output from this modeling did not meet the statistical confidence thresholds required to predict the impact of this variant on FLNC protein function. In summary, the available evidence is currently insufficient to determine the role of this variant in disease. Therefore, it has been classified as a Variant of Uncertain Significance.